The following is an entry in ClinVar:

ClinVar aggregate classification (germline): Uncertain significance (1 of 4 stars; one submission).

Conditions:
Nemaline myopathy 9 (NEM9). Identifiers: MedGen C3810384, MONDO:0014326, OMIM 615731.

Allele frequency attached by ClinVar (database versions not stated): gnomAD exomes below 0.00001; ExAC 0.00001.
gnomAD v4.1: 4 of 1,613,944 alleles (0.00025%); highest among the groups gnomAD compares: South Asian, 0.0044%; no homozygotes.

Submission:

Labcorp Genetics (formerly Invitae), Labcorp
Classification: Uncertain significance for Nemaline myopathy 9. Last evaluated: 2022-03-13. Review status: criteria provided, single submitter. Criteria: Invitae Variant Classification Sherloc (09022015). Collection method: clinical testing. Allele origin: germline.
Comment: In summary, the available evidence is currently insufficient to determine the role of this variant in disease. Therefore, it has been classified as a Variant of Uncertain Significance. Algorithms developed to predict the effect of missense changes on protein structure and function (SIFT, PolyPhen-2, Align-GVGD) all suggest that this variant is likely to be disruptive. This variant has not been reported in the literature in individuals affected with KLHL41-related conditions. This variant is present in population databases (rs765617286, gnomAD 0.01%). This sequence change replaces aspartic acid, which is acidic and polar, with histidine, which is basic and polar, at codon 21 of the KLHL41 protein (p.Asp21His).

NM_006063.3(KLHL41):c.61G>C (p.Asp21His)

Gene: KLHL41 (kelch like family member 41; plus strand). Cytogenetic location: 2q31.1.
Variant type: single nucleotide variant.
Coding change: c.61G>C on transcript NM_006063.3 (MANE Select); coding-DNA position 61, G replaced by C.
Protein change: p.Asp21His; replaces aspartic acid 21 with histidine.
Molecular consequence: missense variant.
Genome position (GRCh38, 1-based): chr2:169,509,839, G>C. VCF-style: chr2-169509839-G-C. GRCh37 (hg19) VCF-style: chr2-170366349-G-C.
Other names: short protein forms D21H.
Identifiers: ClinVar variation 2069133 (VCV002069133.4), dbSNP rs765617286, ClinGen allele CA1956441.